The following is an entry in ClinVar:

ClinVar aggregate classification (germline): Conflicting classifications of pathogenicity. Review status: criteria provided, conflicting classifications (1 of 4 stars). 5 submissions from 5 submitters: Pathogenic (1); Likely pathogenic (1); Uncertain significance (3). Last evaluated 2025-05-13.

Conditions:
Autosomal recessive limb-girdle muscular dystrophy type 2J (LGMDR10). Also called: Limb-girdle muscular dystrophy, type 2J; MUSCULAR DYSTROPHY, LIMB-GIRDLE, AUTOSOMAL RECESSIVE 10. Identifiers: Orphanet 140922, MedGen C1837342, MONDO:0012127, OMIM 608807.
Dilated cardiomyopathy 1G (CMD1G). Identifiers: Orphanet 154, MedGen C1858763, MONDO:0011400, OMIM 604145.

Allele frequency attached by ClinVar (database versions not stated): TOPMed 0.00001.

Submissions (5):

GeneDx
Classification: Likely pathogenic. Last evaluated: 2025-05-13. Review status: criteria provided, single submitter. Criteria: GeneDx Variant Classification Process June 2021. Collection method: clinical testing. Allele origin: germline. Affected: yes.
Comment: Canonical splice site variant in a region of a gene for which loss of function is not a well-established mechanism of disease; Reported in the heterozygous state in an adolescent who experienced ventricular fibrillation arrest during exercise; this patient had a normal echo (PMID: 38050027); Not observed at significant frequency in large population cohorts (gnomAD); This variant is associated with the following publications: (PMID: 25589632, 23975875, 26701604, 22335739, 33226272, 30827497, 37393749, 38050027)

Labcorp Genetics (formerly Invitae), Labcorp
Classification: Pathogenic for Dilated cardiomyopathy 1G; Autosomal recessive limb-girdle muscular dystrophy type 2J. Last evaluated: 2025-03-27. Review status: criteria provided, single submitter. Criteria: Invitae Variant Classification Sherloc (09022015). Collection method: clinical testing. Allele origin: germline.
Comment: This sequence change affects a donor splice site in intron 122 of the TTN gene. It is expected to disrupt RNA splicing and likely results in a truncated or disrupted TTN protein. This variant is not present in population databases (gnomAD no frequency). Disruption of this splice site has been observed in individuals with autosomal recessive congenital myopathy (PMID: 30827497, 37393749). This variant is also known as c.28114+1G>A. ClinVar contains an entry for this variant (Variation ID: 193963). Studies have shown that disruption of this splice site is associated with inconclusive levels of altered splicing (PMID: 30827497). This variant is located in the I band of TTN (PMID: 25589632). Truncating variants in this region have been reported in individuals affected with autosomal recessive centronuclear myopathy (PMID: 23975875, internal data). Truncating variants in this region have also been identified in individuals affected with autosomal dominant dilated cardiomyopathy and/or cardio-related conditions (PMID: 27869827, 32964742, internal data). For these reasons, this variant has been classified as Pathogenic.

Institute for Medical Genetics and Human Genetics, Charité - Universitätsmedizin Berlin
Classification: Uncertain significance for Autosomal recessive limb-girdle muscular dystrophy type 2J. Last evaluated: 2022-09-27. Review status: criteria provided, single submitter. Criteria: ACMG Guidelines, 2015. Collection method: clinical testing. Allele origin: germline. Inheritance: Autosomal recessive inheritance. Affected: yes. Observed: 1 compound heterozygote.

Stanford Center for Inherited Cardiovascular Disease, Stanford University
Classification: Uncertain significance. Last evaluated: 2017-01-17. Review status: criteria provided, single submitter. Criteria: ACMG Guidelines, 2015. Collection method: provider interpretation. Allele origin: germline.

Eurofins Ntd Llc (ga)
Classification: Uncertain significance. Last evaluated: 2016-04-11. Review status: criteria provided, single submitter. Criteria: EGL Classification Definitions 2015. Collection method: clinical testing. Allele origin: germline. Observed: 2 variant alleles, 2 heterozygotes.

Literature cited by the submitters: PubMed 30827497 (cited by Labcorp Genetics (formerly Invitae), Labcorp); PubMed 37393749 (cited by Labcorp Genetics (formerly Invitae), Labcorp); PubMed 25589632 (cited by Labcorp Genetics (formerly Invitae), Labcorp); PubMed 23975875 (cited by Labcorp Genetics (formerly Invitae), Labcorp); PubMed 27869827 (cited by Labcorp Genetics (formerly Invitae), Labcorp); PubMed 32964742 (cited by Labcorp Genetics (formerly Invitae), Labcorp).

NM_001267550.2(TTN):c.31846+1G>A

Gene: TTN (titin; minus strand). Cytogenetic location: 2q31.2.
Variant type: single nucleotide variant.
Coding change: c.31846+1G>A on transcript NM_001267550.2 (MANE Select); the canonical splice donor site of the intron after coding-DNA position 31846, G replaced by A.
Molecular consequence: splice donor variant. On other transcripts: intron variant (3).
Genome position (GRCh38, 1-based): chr2:178,689,812, C>T on the plus strand (G>A on the coding strand, the complement: TTN is on the minus strand). VCF-style: chr2-178689812-C-T. GRCh37 (hg19) VCF-style: chr2-179554539-C-T.
Other names: c.13283-47495G>A (NM_003319.4); c.13859-47495G>A (NM_133437.4); c.13658-47495G>A (NM_133432.3); c.28114+1G>A (NM_133378.4); c.30895+1G>A (NM_001256850.1).
Identifiers: ClinVar variation 193963 (VCV000193963.22), dbSNP rs794727043, ClinGen allele CA239715.
Genomic context (GRCh38, chr2:178,689,812, plus strand): 5'-AAACACAACATATTTTGTATCAAAGATAAAAGATAGGGCTTTACGTCGAAAGCCACTGTA[C>T]CTTTAGCTGGGGGAGCTTCCTTTTTCTTTGCAACAGGAACGGGAATCTTTTCTTCAGGGA-3'